The following is an entry in ClinVar:

ClinVar aggregate classification (germline): Uncertain significance (1 of 4 stars; one submission).

Allele frequency attached by ClinVar (database versions not stated): gnomAD exomes below 0.00001.
gnomAD v4.1: 2 of 1,614,226 alleles (0.00012%); highest among the groups gnomAD compares: Non-Finnish European, 0.00017%; no homozygotes.

Submission:

GeneDx
Classification: Uncertain significance. Last evaluated: 2017-11-06. Review status: criteria provided, single submitter. Criteria: GeneDx Variant Classification (06012015). Collection method: clinical testing. Allele origin: germline. Affected: yes.
Comment: The I630V variant has not been published as a pathogenic variant, nor has it been reported as a benign variant to our knowledge. The I630V variant is not observed in large population cohorts (Lek et al., 2016). This substitution occurs at a position that is conserved across species. In silico analysis predicts this variant is probably damaging to the protein structure/function. However, the I630V variant is a conservative amino acid substitution, which is not likely to impact secondary protein structure as these residues share similar properties. Therefore, based on the currently available information, it is unclear whether this variant is a pathogenic variant or a rare benign variant.

NM_000702.4(ATP1A2):c.1888A>G (p.Ile630Val)

Gene: ATP1A2 (ATPase Na+/K+ transporting subunit alpha 2; plus strand). Cytogenetic location: 1q23.2.
Variant type: single nucleotide variant.
Coding change: c.1888A>G on transcript NM_000702.4 (MANE Select); coding-DNA position 1888, A replaced by G.
Protein change: p.Ile630Val; replaces isoleucine 630 with valine.
Molecular consequence: missense variant.
Genome position (GRCh38, 1-based): chr1:160,134,544, A>G. VCF-style: chr1-160134544-A-G. GRCh37 (hg19) VCF-style: chr1-160104334-A-G.
Other names: short protein forms I630V.
Identifiers: ClinVar variation 453099 (VCV000453099.2), dbSNP rs1382260409, ClinGen allele CA343246820.
Genomic context (GRCh38, chr1:160,134,544, plus strand): 5'-GTGATCATGGTAACCGGGGATCACCCTATCACAGCCAAGGCCATTGCCAAAGGCGTGGGC[A>G]TCATATCAGAGGGTAACGAGACTGTGGAGGACATTGCAGCCCGGCTCAACATTCCCATGA-3'
Protein context (NP_000693.1, residues 620-640): TAKAIAKGVG[Ile630Val]ISEGNETVED